The following is an entry in ClinVar:

ClinVar aggregate classification (germline): Uncertain significance (1 of 4 stars; one submission).

Submission:

Labcorp Genetics (formerly Invitae), Labcorp
Classification: Uncertain significance. Last evaluated: 2022-02-06. Review status: criteria provided, single submitter. Criteria: Invitae Variant Classification Sherloc (09022015). Collection method: clinical testing. Allele origin: germline.
Comment: This variant is a gross deletion of the genomic region encompassing exon(s) 12 of the CLUAP1 gene, which includes the termination codon. This deletion extends beyond the assayed region for this gene and therefore may encompass additional genes. While this deletion is not anticipated to lead to nonsense mediated decay, it is expected to alter mRNA translation or result in a truncated protein product. This variant has not been reported in the literature in individuals affected with CLUAP1-related conditions. Experimental studies and prediction algorithms are not available or were not evaluated, and the functional significance of this variant is currently unknown. In summary, the available evidence is currently insufficient to determine the role of this variant in disease. Therefore, it has been classified as a Variant of Uncertain Significance.

NC_000016.9:g.(?_3586102)_(3658965_?)del

Genes: CLUAP1 (clusterin associated protein 1; plus strand), NLRC3 (NLR family CARD domain containing 3; minus strand), SLX4 (SLX4 structure-specific endonuclease subunit; minus strand). Cytogenetic location: 16p13.3.
Variant type: Deletion.
Identifiers: ClinVar variation 2426038 (VCV002426038.3).